The following is an entry in ClinVar:

NM_020485.8(RHCE):c.201A>G (p.Ser67=)

Gene: RHCE (Rh blood group CcEe antigens; minus strand). Cytogenetic location: 1p36.11.
Variant type: single nucleotide variant.
Coding change: c.201A>G on transcript NM_020485.8 (MANE Select); coding-DNA position 201, A replaced by G.
Protein change: p.Ser67=; no amino-acid change (serine 67 retained).
Molecular consequence: synonymous variant.
Genome position (GRCh38, 1-based): chr1:25,408,817, T>C on the plus strand (A>G on the coding strand, the complement: RHCE is on the minus strand). VCF-style: chr1-25408817-T-C. GRCh37 (hg19) VCF-style: chr1-25735308-T-C.
Other names: c.201A>G, p.Ser67= (NM_001330430.4, NM_138616.5, NM_138617.5 and 1 more transcripts).
Identifiers: ClinVar variation 39403 (VCV000039403.1), dbSNP rs1053343.
Genomic context (GRCh38, chr1:25,408,817, plus strand): 5'-ACCAAGCGCCAGCATGAAGAGGTTGAAGGCCACACTGCTCCAGCTGTGTCTCCGGAAATT[T>C]GAGGTGAGGAAGCCCAAGCCAAGGGCCGCCATCACGGTCAGATCTTGGCCGACTGCTCGG-3'
Protein context (NP_065231.4, residues 57-77): MAALGLGFLT[Ser67=]NFRRHSWSSV

ClinVar aggregate classification (germline): Likely benign (1 of 4 stars; one submission).

Submission:

CeGaT Center for Human Genetics Tuebingen
Classification: Likely benign. Last evaluated: 2026-08-01. Review status: criteria provided, single submitter. Criteria: CeGaT Center For Human Genetics Tuebingen Variant Classification Criteria Version 2. Collection method: clinical testing. Allele origin: germline. Affected: yes. Observed: 1 variant allele.
Comment: RHCE: BP4, BP7